The following is an entry in ClinVar:

ClinVar aggregate classification (germline): Uncertain significance (1 of 4 stars; one submission).

Submission:

Labcorp Genetics (formerly Invitae), Labcorp
Classification: Uncertain significance. Last evaluated: 2026-01-04. Review status: criteria provided, single submitter. Criteria: Invitae Variant Classification Sherloc (09022015). Collection method: clinical testing. Allele origin: germline.
Comment: This sequence change replaces proline, which is neutral and non-polar, with glutamine, which is neutral and polar, at codon 451 of the LIPI protein (p.Pro451Gln). This variant is not present in population databases (gnomAD no frequency). This variant has not been reported in the literature in individuals affected with LIPI-related conditions. An algorithm developed to predict the effect of missense changes on protein structure and function (PolyPhen-2) suggests that this variant is likely to be disruptive. In summary, the available evidence is currently insufficient to determine the role of this variant in disease. Therefore, it has been classified as a Variant of Uncertain Significance.

NM_001302998.2(LIPI):c.1289C>A (p.Pro430Gln)

Gene: LIPI (lipase I; minus strand). Cytogenetic location: 21q11.2.
Variant type: single nucleotide variant.
Coding change: c.1289C>A on transcript NM_001302998.2 (MANE Select); coding-DNA position 1289, C replaced by A.
Protein change: p.Pro430Gln; replaces proline 430 with glutamine.
Molecular consequence: missense variant. On other transcripts: intron variant (1).
Genome position (GRCh38, 1-based): chr21:14,144,629, G>T on the plus strand (C>A on the coding strand, the complement: LIPI is on the minus strand). VCF-style: chr21-14144629-G-T. GRCh37 (hg19) VCF-style: chr21-15516950-G-T.
Other names: c.1199C>A, p.Pro400Gln (NM_001302999.2); c.1271C>A, p.Pro424Gln (NM_001303000.2); c.1184C>A, p.Pro395Gln (NM_001379565.1); c.794C>A, p.Pro265Gln (NM_001379566.1); c.1154C>A, p.Pro385Gln (NM_198996.4); c.1006+18790C>A (NM_001303001.2); short protein forms P265Q, P385Q, P400Q, P424Q, P395Q, P430Q.
Identifiers: ClinVar variation 4734692 (VCV004734692.1).
Genomic context (GRCh38, chr21:14,144,629, plus strand): 5'-AATATTTTCAAGTTTAAAAGATAACATGTTGAAATCAAAATTTAATTTTCTTACCTTTCT[G>T]GGTATGTAAGTGATTTTAACATGAGACTCTGGATCTTGTATGTGCATGTGGAACACTGCA-3'
Protein context (NP_001289927.1, residues 420-440): QSLMLKSLTY[Pro430Gln]ERPPLCRYNI